The following is an entry in ClinVar:

ClinVar aggregate classification (germline): Uncertain significance. Review status: criteria provided, multiple submitters, no conflicts (2 of 4 stars). 2 submissions from 2 submitters: Uncertain significance (2). Last evaluated 2023-06-29.

Conditions:
Inborn genetic diseases. Identifiers: MedGen C0950123, MeSH D030342.

gnomAD v4.1: 2 of 1,612,124 alleles (0.00012%); highest among the groups gnomAD compares: South Asian, 0.0011%; no homozygotes.

Submissions (2):

Ambry Genetics
Classification: Uncertain significance for Inborn genetic diseases. Last evaluated: 2023-06-29. Review status: criteria provided, single submitter. Criteria: Ambry Variant Classification Scheme 2023. Collection method: clinical testing. Allele origin: germline.

CeGaT Center for Human Genetics Tuebingen
Classification: Uncertain significance. Last evaluated: 2023-01-01. Review status: criteria provided, single submitter. Criteria: CeGaT Center For Human Genetics Tuebingen Variant Classification Criteria Version 2. Collection method: clinical testing. Allele origin: germline. Affected: yes. Observed: 1 variant allele.
Comment: PLEC: PM2, BP1

NM_201384.3(PLEC):c.6930G>C (p.Lys2310Asn)

Gene: PLEC (plectin; minus strand). Cytogenetic location: 8q24.3.
Variant type: single nucleotide variant.
Coding change: c.6930G>C on transcript NM_201384.3 (MANE Select); coding-DNA position 6930, G replaced by C.
Protein change: p.Lys2310Asn; replaces lysine 2310 with asparagine.
Molecular consequence: missense variant. On other transcripts: intron variant (1).
Genome position (GRCh38, 1-based): chr8:143,922,999, C>G on the plus strand (G>C on the coding strand, the complement: PLEC is on the minus strand). VCF-style: chr8-143922999-C-G. GRCh37 (hg19) VCF-style: chr8-144997167-C-G.
Other names: c.7011G>C, p.Lys2337Asn (NM_000445.5); c.6888G>C, p.Lys2296Asn (NM_201378.4); c.6864G>C, p.Lys2288Asn (NM_201379.3); c.7341G>C, p.Lys2447Asn (NM_201380.4); c.6834G>C, p.Lys2278Asn (NM_201381.3); c.6930G>C, p.Lys2310Asn (NM_201382.4); c.6942G>C, p.Lys2314Asn (NM_201383.3); c.4126-604G>C (NM_001410941.1); short protein forms K2310N, K2314N, K2278N, K2296N, K2337N, K2288N, K2447N.
Identifiers: ClinVar variation 2595097 (VCV002595097.26), dbSNP rs1195207337, ClinGen allele CA372531440.